The following is an entry in ClinVar:

NM_017934.7(PHIP):c.4820T>C (p.Ile1607Thr)

Genes: IRAK1BP1 (interleukin 1 receptor associated kinase 1 binding protein 1; plus strand), PHIP (PHIP subunit of CUL4-Ring ligase complex; minus strand). Cytogenetic location: 6q14.1.
Variant type: single nucleotide variant.
Coding change: c.4820T>C on transcript NM_017934.7 (MANE Select); coding-DNA position 4820, T replaced by C.
Protein change: p.Ile1607Thr; replaces isoleucine 1607 with threonine.
Molecular consequence: missense variant.
Genome position (GRCh38, 1-based): chr6:78,945,308, A>G on the plus strand (T>C on the coding strand, the complement: PHIP is on the minus strand). VCF-style: chr6-78945308-A-G. GRCh37 (hg19) VCF-style: chr6-79655025-A-G.
Other names: short protein forms I1607T.
Identifiers: ClinVar variation 4995739 (VCV004995739.1).

ClinVar aggregate classification (germline): Uncertain significance (1 of 4 stars; one submission).

Conditions:
PHIP-related disorder. Also called: PHIP-related disorders; PHIP-related condition.

gnomAD v4.1: 2 of 1,607,020 alleles (0.00012%); highest among the groups gnomAD compares: East Asian, 0.0022%; no homozygotes.

Submission:

PreventionGenetics, part of Exact Sciences
Classification: Uncertain significance for PHIP-related condition. Last evaluated: 2025-09-03. Review status: criteria provided, single submitter. Criteria: ACMG Guidelines, 2015. Collection method: clinical testing. Allele origin: germline.
Comment: The PHIP c.4820T>C variant is predicted to result in the amino acid substitution p.Ile1607Thr. To our knowledge, this variant has not been reported in the literature or in a large population database (gnomAD), indicating this variant is rare. At this time, the clinical significance of this variant is uncertain due to the absence of conclusive functional and genetic evidence.